The following is an entry in ClinVar:

NC_000006.11:g.(?_149718720)_(149720340_?)del

Gene: TAB2 (TGF-beta activated kinase 1 (MAP3K7) binding protein 2; plus strand). Cytogenetic location: 6q25.1.
Variant type: Deletion.
Identifiers: ClinVar variation 1460407 (VCV001460407.5).

ClinVar aggregate classification (germline): Pathogenic (1 of 4 stars; one submission).

Submission:

Labcorp Genetics (formerly Invitae), Labcorp
Classification: Pathogenic. Last evaluated: 2022-01-11. Review status: criteria provided, single submitter. Criteria: Invitae Variant Classification Sherloc (09022015). Collection method: clinical testing. Allele origin: germline.
Comment: For these reasons, this variant has been classified as Pathogenic. A similar copy number variant has been observed in individual(s) with clinical features of polyvalvular syndrome (Invitae). This variant is a gross deletion of the genomic region encompassing exon(s) 6-8 of the TAB2 gene. This variant would be expected to be in-frame, preserving the integrity of the reading frame.